The following is an entry in ClinVar:

ClinVar aggregate classification (germline): Conflicting classifications of pathogenicity. Review status: criteria provided, conflicting classifications (1 of 4 stars). 5 submissions from 5 submitters: Uncertain significance (2); Likely benign (2). 1 of the submissions does not count toward it. Last evaluated 2025-06-28.

Conditions:
TRIOBP-related disorder. Also called: TRIOBP-related condition.

Allele frequency attached by ClinVar (database versions not stated): gnomAD 0.00004; ExAC 0.00005; TOPMed 0.00009.
gnomAD v4.1: 88 of 1,614,016 alleles (0.0055%); highest among the groups gnomAD compares: Middle Eastern, 0.016%; no homozygotes.

Submissions (5):

PreventionGenetics, part of Exact Sciences
Classification: Likely benign for TRIOBP-related condition. Last evaluated: 2025-06-28. Review status: criteria provided, single submitter. Criteria: ACMG Guidelines, 2015. Collection method: clinical testing. Allele origin: germline.
Comment: This variant is classified as likely benign based on ACMG/AMP sequence variant interpretation guidelines (Richards et al. 2015 PMID: 25741868, with internal and published modifications).

GeneDx
Classification: Uncertain significance. Last evaluated: 2024-05-24. Review status: criteria provided, single submitter. Criteria: GeneDx Variant Classification Process June 2021. Collection method: clinical testing. Allele origin: germline. Affected: yes.
Comment: In silico analysis supports that this missense variant does not alter protein structure/function; Has not been previously published as pathogenic or benign to our knowledge

Labcorp Genetics (formerly Invitae), Labcorp
Classification: Uncertain significance. Last evaluated: 2022-02-18. Review status: criteria provided, single submitter. Criteria: Invitae Variant Classification Sherloc (09022015). Collection method: clinical testing. Allele origin: germline.
Comment: In summary, the available evidence is currently insufficient to determine the role of this variant in disease. Therefore, it has been classified as a Variant of Uncertain Significance. This sequence change replaces arginine, which is basic and polar, with glutamine, which is neutral and polar, at codon 2337 of the TRIOBP protein (p.Arg2337Gln). This variant is present in population databases (rs200850285, gnomAD 0.2%). This variant has not been reported in the literature in individuals affected with TRIOBP-related conditions. ClinVar contains an entry for this variant (Variation ID: 505078). Algorithms developed to predict the effect of missense changes on protein structure and function output the following: SIFT: "Deleterious"; PolyPhen-2: "Benign"; Align-GVGD: "Class C0". The glutamine amino acid residue is found in multiple mammalian species, which suggests that this missense change does not adversely affect protein function.

Laboratory for Molecular Medicine, Mass General Brigham Personalized Medicine
Classification: Likely benign. Last evaluated: 2016-06-02. Review status: criteria provided, single submitter. Criteria: LMM Criteria. Collection method: clinical testing. Allele origin: germline. Observed: 1 variant allele.
Comment: p.Arg2337Gln in exon 23 of TRIOBP: This variant is not expected to have clinical significance due to a lack of conservation across species, including mammals. O f note, 6 mammals have a Glutamine (Gln) at this position despite high nearby am ino acid conservation. It has been identified in 6/66534 of European chromosomes by the Exome Aggregation Consortium (ExAC; dbSN P rs200850285).

Department of Pathology and Laboratory Medicine, Sinai Health System
Classification: Uncertain significance. Review status: no assertion criteria provided. Collection method: clinical testing. Allele origin: unknown. Affected: yes. Study: The Canadian Open Genetics Repository (COGR). Not counted in ClinVar's aggregate classification.
Comment: The TRIOBP p.Arg624Gln variant was identified in dbSNP (ID: rs200850285), ClinVar (classified as likely benign by Laboratory for Molecular Medicine) and LOVD 3.0 (classified as a VUS) but was not identified in the literature. The variant was identified in control databases in 27 of 249472 chromosomes at a frequency of 0.000108 (Genome Aggregation Database March 6, 2019, v2.1.1). The variant was observed in the following populations: Ashkenazi Jewish in 21 of 10070 chromosomes (freq: 0.002085), Other in 2 of 6066 chromosomes (freq: 0.00033), South Asian in 1 of 30600 chromosomes (freq: 0.000033), Latino in 1 of 34520 chromosomes (freq: 0.000029) and European (non-Finnish) in 2 of 113246 chromosomes (freq: 0.000018), but was not observed in the African, East Asian, or European (Finnish) populations. The p.Arg624 residue is conserved in mammals and computational analyses (PolyPhen-2, SIFT, AlignGVGD, BLOSUM, MutationTaster) provide inconsistent predictions regarding the impact to the protein; this information is not very predictive of pathogenicity. The variant occurs outside of the splicing consensus sequence and in silico or computational prediction software programs (SpliceSiteFinder, MaxEntScan, NNSPLICE, GeneSplicer) do not predict a difference in splicing. In summary, based on the above information the clinical significance of this variant cannot be determined with certainty at this time. This variant is classified as a variant of uncertain significance.

NM_001039141.3(TRIOBP):c.7010G>A (p.Arg2337Gln)

Gene: TRIOBP (TRIO and F-actin binding protein; plus strand). Cytogenetic location: 22q13.1.
Variant type: single nucleotide variant.
Coding change: c.7010G>A on transcript NM_001039141.3 (MANE Select); coding-DNA position 7010, G replaced by A.
Protein change: p.Arg2337Gln; replaces arginine 2337 with glutamine.
Molecular consequence: missense variant.
Genome position (GRCh38, 1-based): chr22:37,772,674, G>A. VCF-style: chr22-37772674-G-A. GRCh37 (hg19) VCF-style: chr22-38168681-G-A.
Other names: c.1871G>A, p.Arg624Gln (NM_007032.5); short protein forms R2337Q, R624Q.
Identifiers: ClinVar variation 505078 (VCV000505078.14), dbSNP rs200850285, ClinGen allele CA10225320.